The following is an entry in ClinVar:

NM_021098.3(CACNA1H):c.4634T>C (p.Phe1545Ser)

Gene: CACNA1H (calcium voltage-gated channel subunit alpha1 H; plus strand). Cytogenetic location: 16p13.3.
Variant type: single nucleotide variant.
Coding change: c.4634T>C on transcript NM_021098.3 (MANE Select); coding-DNA position 4634, T replaced by C.
Protein change: p.Phe1545Ser; replaces phenylalanine 1545 with serine.
Molecular consequence: missense variant.
Genome position (GRCh38, 1-based): chr16:1,212,013, T>C. VCF-style: chr16-1212013-T-C. GRCh37 (hg19) VCF-style: chr16-1262013-T-C.
Other names: c.4634T>C, p.Phe1545Ser (NM_001005407.2); short protein forms F1545S.
Identifiers: ClinVar variation 1346311 (VCV001346311.6), dbSNP rs2141352066, ClinGen allele CA394180789.

ClinVar aggregate classification (germline): Uncertain significance (1 of 4 stars; one submission).

Conditions:
Idiopathic generalized epilepsy. Also called: EIG; Generalised epilepsy. Identifiers: MedGen C0270850, MONDO:0005579, OMIM 600669.
Hyperaldosteronism, familial, type IV (HALD4). Also called: FH IV; ALDOSTERONISM, PRIMARY, AND HYPERTENSION. Identifiers: Orphanet 642671, MedGen C4310756, MONDO:0014875, OMIM 617027.

Submission:

Labcorp Genetics (formerly Invitae), Labcorp
Classification: Uncertain significance for Idiopathic generalized epilepsy; Hyperaldosteronism, familial, type IV. Last evaluated: 2021-10-22. Review status: criteria provided, single submitter. Criteria: Invitae Variant Classification Sherloc (09022015). Collection method: clinical testing. Allele origin: germline.
Comment: In summary, the available evidence is currently insufficient to determine the role of this variant in disease. Therefore, it has been classified as a Variant of Uncertain Significance. Algorithms developed to predict the effect of missense changes on protein structure and function (SIFT, PolyPhen-2, Align-GVGD) all suggest that this variant is likely to be disruptive. This variant has not been reported in the literature in individuals affected with CACNA1H-related conditions. This variant is not present in population databases (ExAC no frequency). This sequence change replaces phenylalanine with serine at codon 1545 of the CACNA1H protein (p.Phe1545Ser). The phenylalanine residue is highly conserved and there is a large physicochemical difference between phenylalanine and serine.